The following is an entry in ClinVar:

NM_001330078.2(NRXN1):c.773-12A>G

Gene: NRXN1 (neurexin 1; minus strand). Cytogenetic location: 2p16.3.
Variant type: single nucleotide variant.
Coding change: c.773-12A>G on transcript NM_001330078.2 (MANE Select); 12 bases into the intron before coding-DNA position 773, A replaced by G.
Molecular consequence: intron variant.
Genome position (GRCh38, 1-based): chr2:50,925,967, T>C on the plus strand (A>G on the coding strand, the complement: NRXN1 is on the minus strand). VCF-style: chr2-50925967-T-C. GRCh37 (hg19) VCF-style: chr2-51153105-T-C.
Other names: c.772+101535A>G (NM_001330096.2, NM_001330087.2, NM_001330083.2 and 1 more transcripts); c.773-3280A>G (NM_001330088.2, NM_001330089.2); c.773-15A>G (NM_001330093.2, NM_001330079.2); c.773-12A>G (NM_001330094.2, NM_001330095.2, NM_001330082.2 and 6 more transcripts); c.872-12A>G (NM_001135659.3).
Identifiers: ClinVar variation 3767584 (VCV003767584.1).

ClinVar aggregate classification (germline): Uncertain significance (1 of 4 stars; one submission).

gnomAD v4.1: 1 of 1,571,068 alleles (0.000064%); highest among the groups gnomAD compares: Non-Finnish European, 0.000086%; no homozygotes.

Submission:

GeneDx
Classification: Uncertain significance. Last evaluated: 2024-09-10. Review status: criteria provided, single submitter. Criteria: GeneDx Variant Classification Process June 2021. Collection method: clinical testing. Allele origin: germline. Affected: yes.
Comment: Not observed at significant frequency in large population cohorts (gnomAD); In silico analysis indicates that this variant does not alter splicing; Has not been previously published as pathogenic or benign to our knowledge